The following is an entry in ClinVar:

ClinVar aggregate classification (germline): Uncertain significance (1 of 4 stars; one submission).

Submission:

Labcorp Genetics (formerly Invitae), Labcorp
Classification: Uncertain significance. Last evaluated: 2023-09-21. Review status: criteria provided, single submitter. Criteria: Invitae Variant Classification Sherloc (09022015). Collection method: clinical testing. Allele origin: germline.
Comment: This variant is not present in population databases (gnomAD no frequency). This sequence change replaces glycine, which is neutral and non-polar, with aspartic acid, which is acidic and polar, at codon 17 of the GCKR protein (p.Gly17Asp). This variant has not been reported in the literature in individuals affected with GCKR-related conditions. In summary, the available evidence is currently insufficient to determine the role of this variant in disease. Therefore, it has been classified as a Variant of Uncertain Significance. An algorithm developed to predict the effect of missense changes on protein structure and function (PolyPhen-2) suggests that this variant is likely to be disruptive.

NM_001486.4(GCKR):c.50G>A (p.Gly17Asp)

Gene: GCKR (glucokinase regulator; plus strand). Cytogenetic location: 2p23.3.
Variant type: single nucleotide variant.
Coding change: c.50G>A on transcript NM_001486.4 (MANE Select); coding-DNA position 50, G replaced by A.
Protein change: p.Gly17Asp; replaces glycine 17 with aspartic acid.
Molecular consequence: missense variant.
Genome position (GRCh38, 1-based): chr2:27,496,954, G>A. VCF-style: chr2-27496954-G-A. GRCh37 (hg19) VCF-style: chr2-27719821-G-A.
Other names: short protein forms G17D.
Identifiers: ClinVar variation 2762241 (VCV002762241.3), dbSNP rs2466085040, ClinGen allele CA346410028.